The following is an entry in ClinVar:

NM_001374828.1(ARID1B):c.813_814delinsCT (p.Pro272Ser)

Genes: ARID1B (AT-rich interaction domain 1B; plus strand), LOC115308161 (uncharacterized LOC115308161; minus strand), LOC129997525 (ATAC-STARR-seq lymphoblastoid silent region 17712; plus strand). Cytogenetic location: 6q25.3.
Variant type: Indel.
Coding change: c.813_814delinsCT on transcript NM_001374828.1 (MANE Select); coding-DNA positions 813 to 814, GC replaced by CT.
Protein change: p.Pro272Ser; replaces proline 272 with serine.
Molecular consequence: missense variant. On other transcripts: non-coding transcript variant (1).
Genome position (GRCh38, 1-based): chr6:156,778,493-156,778,494, GC replaced by CT. VCF-style: chr6-156778493-GC-CT. GRCh37 (hg19) VCF-style: chr6-157099627-GC-CT.
Other names: c.813_814delinsCT, p.Pro272Ser (NM_001371656.1, NM_001374820.1, NM_017519.3); short protein forms P272S.
Identifiers: ClinVar variation 1360018 (VCV001360018.8), dbSNP rs2114976313, ClinGen allele CA2573140646.
Genomic context (GRCh38, chr6:156,778,493, plus strand): 5'-CGGCCAGGCCGACCCCCCGGGCCCGCCGCTGCTGAGCAAGCCGGGCGACGAGGACGACGC[GC>CT]CGCCCAAGATGGGGGAGCCGGCGGGCGGCCGCTACGAGCACCCGGGCTTGGGCGCCCTGG-3'
Protein context (NP_001361757.1, residues 262-282): LSKPGDEDDA[Pro272Ser]PKMGEPAGGR

ClinVar aggregate classification (germline): Uncertain significance (1 of 4 stars; one submission).

Submission:

Labcorp Genetics (formerly Invitae), Labcorp
Classification: Uncertain significance. Last evaluated: 2024-06-12. Review status: criteria provided, single submitter. Criteria: Invitae Variant Classification Sherloc (09022015). Collection method: clinical testing. Allele origin: germline.
Comment: This sequence change replaces proline, which is neutral and non-polar, with serine, which is neutral and polar, at codon 189 of the ARID1B protein (p.Pro189Ser). The frequency data for this variant in the population databases is considered unreliable, as metrics indicate insufficient coverage at this position in the gnomAD database. This variant has not been reported in the literature in individuals affected with ARID1B-related conditions. ClinVar contains an entry for this variant (Variation ID: 1360018). Experimental studies and prediction algorithms are not available or were not evaluated, and the functional significance of this variant is currently unknown. In summary, the available evidence is currently insufficient to determine the role of this variant in disease. Therefore, it has been classified as a Variant of Uncertain Significance.